The following is an entry in ClinVar:

NM_002495.4(NDUFS4):c.432C>G (p.Ser144Arg)

Gene: NDUFS4 (NADH:ubiquinone oxidoreductase subunit S4; plus strand). Cytogenetic location: 5q11.2.
Variant type: single nucleotide variant.
Coding change: c.432C>G on transcript NM_002495.4 (MANE Select); coding-DNA position 432, C replaced by G.
Protein change: p.Ser144Arg; replaces serine 144 with arginine.
Molecular consequence: missense variant. On other transcripts: non-coding transcript variant (3).
Genome position (GRCh38, 1-based): chr5:53,683,125, C>G. VCF-style: chr5-53683125-C-G. GRCh37 (hg19) VCF-style: chr5-52978955-C-G.
Other names: c.358C>G, p.Leu120Val (NM_001318051.2); c.432C>G (NM_002495.2); short protein forms L120V, S144R.
Identifiers: ClinVar variation 1351935 (VCV001351935.7), dbSNP rs370761734, ClinGen allele CA3264332.

ClinVar aggregate classification (germline): Uncertain significance. Review status: criteria provided, multiple submitters, no conflicts (2 of 4 stars). 3 submissions from 3 submitters: Uncertain significance (3). Last evaluated 2026-01-03.

Allele frequency attached by ClinVar (database versions not stated): gnomAD exomes 0.00006; ExAC 0.00007; ESP Exome Variant Server 0.00008; gnomAD 0.00010; TOPMed 0.00012.
gnomAD v4.1: 139 of 1,597,034 alleles (0.0087%); highest among the groups gnomAD compares: Non-Finnish European, 0.011%; no homozygotes.

Submissions (3):

GeneDx
Classification: Uncertain significance. Last evaluated: 2026-01-03. Review status: criteria provided, single submitter. Criteria: GeneDx Variant Classification Process June 2021. Collection method: clinical testing. Allele origin: germline. Affected: yes.
Comment: Not observed at significant frequency in large population cohorts (gnomAD); In silico analysis suggests that this missense variant does not alter protein structure/function; Has not been previously published as pathogenic or benign to our knowledge

Blueprint Genetics
Classification: Uncertain significance. Last evaluated: 2024-11-14. Review status: criteria provided, single submitter. Criteria: ACMG Guidelines, 2015. Collection method: clinical testing. Allele origin: germline.

Labcorp Genetics (formerly Invitae), Labcorp
Classification: Uncertain significance. Last evaluated: 2022-07-04. Review status: criteria provided, single submitter. Criteria: Invitae Variant Classification Sherloc (09022015). Collection method: clinical testing. Allele origin: germline.
Comment: This sequence change replaces serine, which is neutral and polar, with arginine, which is basic and polar, at codon 144 of the NDUFS4 protein (p.Ser144Arg). This variant is present in population databases (rs370761734, gnomAD 0.01%). This variant has not been reported in the literature in individuals affected with NDUFS4-related conditions. ClinVar contains an entry for this variant (Variation ID: 1351935). Algorithms developed to predict the effect of missense changes on protein structure and function are either unavailable or do not agree on the potential impact of this missense change (SIFT: "Not Available"; PolyPhen-2: "Benign"; Align-GVGD: "Not Available"). In summary, the available evidence is currently insufficient to determine the role of this variant in disease. Therefore, it has been classified as a Variant of Uncertain Significance.